The following is an entry in ClinVar:

NM_005219.5(DIAPH1):c.2137A>G (p.Met713Val)

Gene: DIAPH1 (diaphanous related formin 1; minus strand). Cytogenetic location: 5q31.3.
Variant type: single nucleotide variant.
Coding change: c.2137A>G on transcript NM_005219.5 (MANE Select); coding-DNA position 2137, A replaced by G.
Protein change: p.Met713Val; replaces methionine 713 with valine.
Molecular consequence: missense variant.
Genome position (GRCh38, 1-based): chr5:141,573,713, T>C on the plus strand (A>G on the coding strand, the complement: DIAPH1 is on the minus strand). VCF-style: chr5-141573713-T-C. GRCh37 (hg19) VCF-style: chr5-140953280-T-C.
Other names: c.2110A>G, p.Met704Val (NM_001079812.3); c.2137A>G, p.Met713Val (NM_001314007.2); short protein forms M704V, M713V.
Identifiers: ClinVar variation 665920 (VCV000665920.8), dbSNP rs764305772, ClinGen allele CA3479150.

ClinVar aggregate classification (germline): Uncertain significance. Review status: criteria provided, multiple submitters, no conflicts (2 of 4 stars). 2 submissions from 2 submitters: Uncertain significance (2). Last evaluated 2025-11-13.

Conditions:
Progressive microcephaly-seizures-cortical blindness-developmental delay syndrome. Also called: Seizures, cortical blindness, and microcephaly syndrome. Identifiers: Orphanet 477814, MedGen C5567650, MONDO:0014714, OMIM 616632.
Autosomal dominant nonsyndromic hearing loss 1. Also called: KONIGSMARK SYNDROME; DEAFNESS, AUTOSOMAL DOMINANT 1, WITH OR WITHOUT THROMBOCYTOPENIA. Identifiers: Orphanet 90635, MedGen C1852282, MONDO:0007424, OMIM 124900.
DIAPH1-related disorder. Also called: DIAPH1-related condition.

Allele frequency attached by ClinVar (database versions not stated): ExAC 0.00010; TOPMed 0.00001; gnomAD 0.00002; gnomAD exomes 0.00002 and 0.00009.
gnomAD v4.1: 32 of 1,475,400 alleles (0.0022%); highest among the groups gnomAD compares: Admixed American, 0.047%; no homozygotes.

Submissions (2):

Labcorp Genetics (formerly Invitae), Labcorp
Classification: Uncertain significance for Progressive microcephaly-seizures-cortical blindness-developmental delay syndrome; Autosomal dominant nonsyndromic hearing loss 1. Last evaluated: 2025-11-13. Review status: criteria provided, single submitter. Criteria: Invitae Variant Classification Sherloc (09022015). Collection method: clinical testing. Allele origin: germline.
Comment: This sequence change replaces methionine, which is neutral and non-polar, with valine, which is neutral and non-polar, at codon 713 of the DIAPH1 protein (p.Met713Val). This variant is present in population databases (rs764305772, gnomAD 0.06%). This variant has not been reported in the literature in individuals affected with DIAPH1-related conditions. ClinVar contains an entry for this variant (Variation ID: 665920). An algorithm developed to predict the effect of missense changes on protein structure and function outputs the following: PolyPhen-2: "Not Available". The valine amino acid residue is found in multiple mammalian species, which suggests that this missense change does not adversely affect protein function. In summary, the available evidence is currently insufficient to determine the role of this variant in disease. Therefore, it has been classified as a Variant of Uncertain Significance.

PreventionGenetics, part of Exact Sciences
Classification: Uncertain significance for DIAPH1-related condition. Last evaluated: 2025-09-09. Review status: criteria provided, single submitter. Criteria: ACMG Guidelines, 2015. Collection method: clinical testing. Allele origin: germline.
Comment: The DIAPH1 c.2137A>G variant is predicted to result in the amino acid substitution p.Met713Val. To our knowledge, this variant has not been reported in the literature. This variant is reported in 0.050% of alleles in individuals of Latino descent in gnomAD. At this time, the clinical significance of this variant is uncertain due to the absence of conclusive functional and genetic evidence.